The following is an entry in ClinVar:

NM_000268.4(NF2):c.716T>C (p.Leu239Pro)

Gene: NF2 (NF2, moesin-ezrin-radixin like (MERLIN) tumor suppressor; plus strand). Cytogenetic location: 22q12.2.
Variant type: single nucleotide variant.
Coding change: c.716T>C on transcript NM_000268.4 (MANE Select); coding-DNA position 716, T replaced by C.
Protein change: p.Leu239Pro; replaces leucine 239 with proline.
Molecular consequence: missense variant. On other transcripts: non-coding transcript variant (1), intron variant (4).
Genome position (GRCh38, 1-based): chr22:29,661,245, T>C. VCF-style: chr22-29661245-T-C. GRCh37 (hg19) VCF-style: chr22-30057234-T-C.
Other names: c.602T>C, p.Leu201Pro (NM_001407053.1, NM_001407056.1); c.593T>C, p.Leu198Pro (NM_001407054.1, NM_001407058.1, NM_181829.3); c.590T>C, p.Leu197Pro (NM_001407055.1, NM_181828.3); c.716T>C, p.Leu239Pro (NM_001407060.1, NM_001407066.1, NM_016418.5 and 2 more transcripts); c.467T>C, p.Leu156Pro (NM_001407063.1, NM_001407064.1, NM_181830.3 and 1 more transcripts); c.182T>C, p.Leu61Pro (NM_001407065.1); c.485T>C, p.Leu162Pro (NM_001407067.1); c.675+2981T>C (NM_001407059.1, NM_001407057.1); and 2 more; short protein forms L197P, L61P, L156P, L198P, L239P, L162P, L201P.
Identifiers: ClinVar variation 2700979 (VCV002700979.3), dbSNP rs1601623969, ClinGen allele CA411143815.

ClinVar aggregate classification (germline): Uncertain significance (1 of 4 stars; one submission).

Conditions:
Neurofibromatosis, type 2 (SWNV). Also called: BILATERAL ACOUSTIC NEUROFIBROMATOSIS; SCHWANNOMATOSIS, VESTIBULAR; NF2-Related Schwannomatosis. Identifiers: Orphanet 637, MedGen C0027832, MONDO:0007039, OMIM 101000. Disease mechanism: loss of function.

Submission:

Labcorp Genetics (formerly Invitae), Labcorp
Classification: Uncertain significance for Neurofibromatosis, type 2. Last evaluated: 2023-12-05. Review status: criteria provided, single submitter. Criteria: Invitae Variant Classification Sherloc (09022015). Collection method: clinical testing. Allele origin: germline.
Comment: This sequence change replaces leucine, which is neutral and non-polar, with proline, which is neutral and non-polar, at codon 239 of the NF2 protein (p.Leu239Pro). This variant is not present in population databases (gnomAD no frequency). This variant has not been reported in the literature in individuals affected with NF2-related conditions. Advanced modeling of protein sequence and biophysical properties (such as structural, functional, and spatial information, amino acid conservation, physicochemical variation, residue mobility, and thermodynamic stability) has been performed at Invitae for this missense variant, however the output from this modeling did not meet the statistical confidence thresholds required to predict the impact of this variant on NF2 protein function. In summary, the available evidence is currently insufficient to determine the role of this variant in disease. Therefore, it has been classified as a Variant of Uncertain Significance.